The following is an entry in ClinVar:

NM_000362.5(TIMP3):c.515T>A (p.Phe172Tyr)

Genes: SYN3 (synapsin III; minus strand), TIMP3 (TIMP metallopeptidase inhibitor 3; plus strand). Cytogenetic location: 22q12.3.
Variant type: single nucleotide variant.
Coding change: c.515T>A on transcript NM_000362.5 (MANE Select); coding-DNA position 515, T replaced by A.
Protein change: p.Phe172Tyr; replaces phenylalanine 172 with tyrosine.
Molecular consequence: missense variant. On other transcripts: intron variant (7).
Genome position (GRCh38, 1-based): chr22:32,859,256, T>A. VCF-style: chr22-32859256-T-A. GRCh37 (hg19) VCF-style: chr22-33255243-T-A.
Other names: c.708+5659A>T (NM_001369909.1, NM_001135774.2, NM_001369910.1); c.711+5659A>T (NM_001369907.1, NM_003490.4, NM_001369908.1 and 1 more transcripts); short protein forms F172Y.
Identifiers: ClinVar variation 1010903 (VCV001010903.6), dbSNP rs902757892, ClinGen allele CA323660673.

ClinVar aggregate classification (germline): Uncertain significance (1 of 4 stars; one submission).

Allele frequency attached by ClinVar (database versions not stated): gnomAD exomes below 0.00001; TOPMed 0.00001; gnomAD 0.00003.
gnomAD v4.1: 10 of 1,614,054 alleles (0.00062%); highest among the groups gnomAD compares: Non-Finnish European, 0.00085%; no homozygotes.

Submission:

Labcorp Genetics (formerly Invitae), Labcorp
Classification: Uncertain significance. Last evaluated: 2025-04-23. Review status: criteria provided, single submitter. Criteria: Invitae Variant Classification Sherloc (09022015). Collection method: clinical testing. Allele origin: germline.
Comment: This sequence change replaces phenylalanine, which is neutral and non-polar, with tyrosine, which is neutral and polar, at codon 172 of the TIMP3 protein (p.Phe172Tyr). This variant is present in population databases (no rsID available, gnomAD 0.007%). This variant has not been reported in the literature in individuals affected with TIMP3-related conditions. ClinVar contains an entry for this variant (Variation ID: 1010903). An algorithm developed to predict the effect of missense changes on protein structure and function (PolyPhen-2) suggests that this variant is likely to be tolerated. In summary, the available evidence is currently insufficient to determine the role of this variant in disease. Therefore, it has been classified as a Variant of Uncertain Significance.